The following is an entry in ClinVar:

ClinVar aggregate classification (germline): Uncertain significance. Review status: criteria provided, multiple submitters, no conflicts (2 of 4 stars). 2 submissions from 2 submitters: Uncertain significance (2). Last evaluated 2025-10-14.

Conditions:
Regional enteritis. Also called: Enteritis, Granulomatous. Identifiers: MedGen C0678202, MeSH D003424.
Blau syndrome (BLAUS). Also called: ARTHROCUTANEOUVEAL GRANULOMATOSIS; GRANULOMATOSIS, FAMILIAL JUVENILE SYSTEMIC; GRANULOMATOSIS, FAMILIAL, BLAU TYPE; GRANULOMATOUS INFLAMMATORY ARTHRITIS, DERMATITIS, AND UVEITIS, FAMILIAL; JABS SYNDROME. Identifiers: Orphanet 90340, MedGen C5201146, MONDO:0008523, OMIM 186580.
Inborn genetic diseases. Identifiers: MedGen C0950123, MeSH D030342.

Allele frequency attached by ClinVar (database versions not stated): TOPMed below 0.00001; ExAC 0.00001; gnomAD 0.00001; gnomAD exomes 0.00001.
gnomAD v4.1: 10 of 1,614,148 alleles (0.00062%); highest among the groups gnomAD compares: Admixed American, 0.005%; no homozygotes.

Submissions (2):

Labcorp Genetics (formerly Invitae), Labcorp
Classification: Uncertain significance for Regional enteritis; Blau syndrome. Last evaluated: 2025-10-14. Review status: criteria provided, single submitter. Criteria: Invitae Variant Classification Sherloc (09022015). Collection method: clinical testing. Allele origin: germline.
Comment: This sequence change replaces leucine, which is neutral and non-polar, with phenylalanine, which is neutral and non-polar, at codon 867 of the NOD2 protein (p.Leu867Phe). This variant is present in population databases (rs745733405, gnomAD 0.003%). This variant has not been reported in the literature in individuals affected with NOD2-related conditions. ClinVar contains an entry for this variant (Variation ID: 1908146). Invitae Evidence Modeling of protein sequence and biophysical properties (such as structural, functional, and spatial information, amino acid conservation, physicochemical variation, residue mobility, and thermodynamic stability) has been performed for this missense variant. However, the output from this modeling did not meet the statistical confidence thresholds required to predict the impact of this variant on NOD2 protein function. In summary, the available evidence is currently insufficient to determine the role of this variant in disease. Therefore, it has been classified as a Variant of Uncertain Significance.

Ambry Genetics
Classification: Uncertain significance for Inborn genetic diseases. Last evaluated: 2025-08-24. Review status: criteria provided, single submitter. Criteria: Ambry Variant Classification Scheme 2023. Collection method: clinical testing. Allele origin: germline.

NM_001370466.1(NOD2):c.2518C>T (p.Leu840Phe)

Gene: NOD2 (nucleotide binding oligomerization domain containing 2; plus strand). Cytogenetic location: 16q12.1.
Variant type: single nucleotide variant.
Coding change: c.2518C>T on transcript NM_001370466.1 (MANE Select); coding-DNA position 2518, C replaced by T.
Protein change: p.Leu840Phe; replaces leucine 840 with phenylalanine.
Molecular consequence: missense variant. On other transcripts: non-coding transcript variant (1).
Genome position (GRCh38, 1-based): chr16:50,716,943, C>T. VCF-style: chr16-50716943-C-T. GRCh37 (hg19) VCF-style: chr16-50750854-C-T.
Other names: c.2518C>T, p.Leu840Phe (NM_001293557.2); c.2599C>T, p.Leu867Phe (NM_022162.3); short protein forms L867F, L840F.
Identifiers: ClinVar variation 1908146 (VCV001908146.6), dbSNP rs745733405, ClinGen allele CA8051853.